The following is an entry in ClinVar:

NM_001868.4(CPA1):c.1201_1203del (p.Lys401del)

Gene: CPA1 (carboxypeptidase A1; plus strand). Cytogenetic location: 7q32.2.
Variant type: Deletion.
Coding change: c.1201_1203del on transcript NM_001868.4 (MANE Select); coding-DNA positions 1201 to 1203, 3 bases deleted (AAG; older notation c.1201_1203delAAG).
Protein change: p.Lys401del; deletes lysine 401.
Molecular consequence: inframe deletion.
Genome position (GRCh38, 1-based): chr7:130,387,952-130,387,954, AAG deleted. VCF-style (leftmost placement, unchanged base first): chr7-130387951-CAAG-C. GRCh37 (hg19) VCF-style: chr7-130027792-CAAG-C.
Other names: c.1201_1203delAAG (NM_001868.2); short protein forms K401del.
Identifiers: ClinVar variation 2008566 (VCV002008566.5), dbSNP rs2536015535, ClinGen allele CA2580076680.

ClinVar aggregate classification (germline): Uncertain significance. Review status: criteria provided, multiple submitters, no conflicts (2 of 4 stars). 2 submissions from 2 submitters: Uncertain significance (2). Last evaluated 2026-06-26.

Conditions:
Hereditary pancreatitis (PCTT). Also called: PRSS1-Related Hereditary Pancreatitis; Hereditary chronic pancreatitis. Identifiers: Orphanet 676, MedGen C0238339, MONDO:0008185, OMIM 167800.

Allele frequency attached by ClinVar (database versions not stated): gnomAD exomes below 0.00001.

Submissions (2):

Ambry Genetics
Classification: Uncertain significance for Hereditary pancreatitis. Last evaluated: 2026-06-26. Review status: criteria provided, single submitter. Criteria: Ambry Variant Classification Scheme 2023. Collection method: clinical testing. Allele origin: germline.
Comment: The c.1201_1203delAAG variant (also known as p.K401del) is located in coding exon 10 of the CPA1 gene. This variant results from an in-frame AAG deletion at nucleotide positions 1201 to 1203. This results in the in-frame deletion of a lysine at codon 401. This amino acid position is poorly conserved in available vertebrate species. In addition, this variant is predicted to be deleterious by in silico analysis (Choi Y et al. PLoS ONE. 2012; 7(10):e46688). Based on the available evidence, the clinical significance of this variant remains unclear.

Labcorp Genetics (formerly Invitae), Labcorp
Classification: Uncertain significance. Last evaluated: 2022-06-19. Review status: criteria provided, single submitter. Criteria: Invitae Variant Classification Sherloc (09022015). Collection method: clinical testing. Allele origin: germline.
Comment: This variant, c.1201_1203del, results in the deletion of 1 amino acid(s) of the CPA1 protein (p.Lys401del), but otherwise preserves the integrity of the reading frame. This variant is not present in population databases (gnomAD no frequency). In summary, the available evidence is currently insufficient to determine the role of this variant in disease. Therefore, it has been classified as a Variant of Uncertain Significance. Experimental studies and prediction algorithms are not available or were not evaluated, and the functional significance of this variant is currently unknown. This variant has not been reported in the literature in individuals affected with CPA1-related conditions.